The following is an entry in ClinVar:

ClinVar aggregate classification (germline): Uncertain significance (1 of 4 stars; one submission).

Conditions:
Alzheimer disease 4 (AD4). Identifiers: Orphanet 1020, MedGen C1847200, MONDO:0011743, OMIM 606889.

Allele frequency attached by ClinVar (database versions not stated): TOPMed below 0.00001.

Submission:

Labcorp Genetics (formerly Invitae), Labcorp
Classification: Uncertain significance for Alzheimer disease 4. Last evaluated: 2023-11-12. Review status: criteria provided, single submitter. Criteria: Invitae Variant Classification Sherloc (09022015). Collection method: clinical testing. Allele origin: germline.
Comment: This sequence change replaces leucine, which is neutral and non-polar, with phenylalanine, which is neutral and non-polar, at codon 143 of the PSEN2 protein (p.Leu143Phe). This variant is not present in population databases (gnomAD no frequency). This variant has not been reported in the literature in individuals affected with PSEN2-related conditions. Advanced modeling of protein sequence and biophysical properties (such as structural, functional, and spatial information, amino acid conservation, physicochemical variation, residue mobility, and thermodynamic stability) performed at Invitae indicates that this missense variant is not expected to disrupt PSEN2 protein function with a negative predictive value of 80%. In summary, the available evidence is currently insufficient to determine the role of this variant in disease. Therefore, it has been classified as a Variant of Uncertain Significance.

NM_000447.3(PSEN2):c.427C>T (p.Leu143Phe)

Gene: PSEN2 (presenilin 2; plus strand). Cytogenetic location: 1q42.13.
Variant type: single nucleotide variant.
Coding change: c.427C>T on transcript NM_000447.3 (MANE Select); coding-DNA position 427, C replaced by T.
Protein change: p.Leu143Phe; replaces leucine 143 with phenylalanine.
Molecular consequence: missense variant.
Genome position (GRCh38, 1-based): chr1:226,885,608, C>T. VCF-style: chr1-226885608-C-T. GRCh37 (hg19) VCF-style: chr1-227073309-C-T.
Other names: c.427C>T, p.Leu143Phe (NM_012486.3); short protein forms L143F.
Identifiers: ClinVar variation 2977726 (VCV002977726.3), dbSNP rs903335386, ClinGen allele CA39091727.
Genomic context (GRCh38, chr1:226,885,608, plus strand): 5'-CCATTCACTGAGGACACACCCTCGGTGGGCCAGCGCCTCCTCAACTCCGTGCTGAACACC[C>T]TCATCATGATCAGCGTCATCGTGGTTATGACCATCTTCTTGGTGGTGCTCTACAAGTACC-3'
Protein context (NP_000438.2, residues 133-153): QRLLNSVLNT[Leu143Phe]IMISVIVVMT